The following is an entry in ClinVar:

NM_004637.6(RAB7A):c.-18A>G

Gene: RAB7A (RAB7A, member RAS oncogene family; plus strand). Cytogenetic location: 3q21.3.
Variant type: single nucleotide variant.
Coding change: c.-18A>G on transcript NM_004637.6 (MANE Select); 18 bases upstream of the start codon, A replaced by G.
Molecular consequence: 5 prime UTR variant.
Genome position (GRCh38, 1-based): chr3:128,726,350, A>G. VCF-style: chr3-128726350-A-G. GRCh37 (hg19) VCF-style: chr3-128445193-A-G.
Identifiers: ClinVar variation 343156 (VCV000343156.7), dbSNP rs886057941, ClinGen allele CA10614792.

ClinVar aggregate classification (germline): Conflicting classifications of pathogenicity. Review status: criteria provided, conflicting classifications (1 of 4 stars). 3 submissions from 3 submitters: Uncertain significance (1); Likely benign (1). 1 of the submissions does not count toward it. Last evaluated 2018-01-12.

Conditions:
Charcot-Marie-Tooth disease type 2B (CMT2B). Also called: Charcot-Marie-Tooth Neuropathy Type 2B; CHARCOT-MARIE-TOOTH DISEASE, AXONAL, TYPE 2B; CHARCOT-MARIE-TOOTH DISEASE, AUTOSOMAL DOMINANT, TYPE 2B; HEREDITARY MOTOR AND SENSORY NEUROPATHY IIB. Identifiers: Orphanet 99936, MedGen C1833219, MONDO:0010949, OMIM 600882.
RAB7A-related disorder. Also called: RAB7A-related condition.

Allele frequency attached by ClinVar (database versions not stated): gnomAD 0.00004 and 0.00006; TOPMed 0.00005.

Submissions (3):

Illumina Laboratory Services, Illumina
Classification: Uncertain significance for Charcot-Marie-Tooth disease type 2B. Last evaluated: 2018-01-12. Review status: criteria provided, single submitter. Criteria: ICSL Variant Classification Criteria 13 December 2019. Collection method: clinical testing. Allele origin: germline.

GeneDx
Classification: Likely benign. Last evaluated: 2017-12-26. Review status: criteria provided, single submitter. Criteria: GeneDx Variant Classification (06012015). Collection method: clinical testing. Allele origin: germline. Affected: yes.
Comment: This variant is considered likely benign or benign based on one or more of the following criteria: it is a conservative change, it occurs at a poorly conserved position in the protein, it is predicted to be benign by multiple in silico algorithms, and/or has population frequency not consistent with disease.

PreventionGenetics, part of Exact Sciences
Classification: Likely benign for RAB7A-related condition. Last evaluated: 2022-07-26. Review status: no assertion criteria provided. Collection method: clinical testing. Allele origin: germline. Not counted in ClinVar's aggregate classification.
Comment: This variant is classified as likely benign based on ACMG/AMP sequence variant interpretation guidelines (Richards et al. 2015 PMID: 25741868, with internal and published modifications).